The following is an entry in ClinVar:

NM_000361.3(THBD):c.1277A>C (p.Glu426Ala)

Gene: THBD (thrombomodulin; minus strand). Cytogenetic location: 20p11.21.
Variant type: single nucleotide variant.
Coding change: c.1277A>C on transcript NM_000361.3 (MANE Select); coding-DNA position 1277, A replaced by C.
Protein change: p.Glu426Ala; replaces glutamic acid 426 with alanine.
Molecular consequence: missense variant.
Genome position (GRCh38, 1-based): chr20:23,048,228, T>G on the plus strand (A>C on the coding strand, the complement: THBD is on the minus strand). VCF-style: chr20-23048228-T-G. GRCh37 (hg19) VCF-style: chr20-23028865-T-G.
Other names: short protein forms E426A.
Identifiers: ClinVar variation 4280535 (VCV004280535.1).

ClinVar aggregate classification (germline): Uncertain significance (1 of 4 stars; one submission).

Conditions:
Thrombomodulin-related bleeding disorder (THPH12). Also called: Thrombophilia due to thrombomodulin defect. Identifiers: Orphanet 436169, MedGen C3280976, MONDO:0013775, OMIM 614486.

Submission:

Genomenon, Inc
Classification: Uncertain significance for Thrombomodulin-related bleeding disorder. Last evaluated: 2025-09-22. Review status: criteria provided, single submitter. Criteria: Genomenon Sequence Variant Interpretation Standards - Updated. Collection method: curation. Allele origin: germline. Affected: no.
Comment: THBD p.Glu426Ala (c.1277A>C) is a missense variant that changes the amino acid at residue 426 from Glutamic acid to Alanine. This variant has been reported in the published literature (PMID:8381415). It is absent or not present at a significant frequency in gnomAD. In silico models agree that this variant is not damaging. In conclusion, we classify THBD p.Glu426Ala (c.1277A>C) as a variant of unknown significance.

Literature cited by the submitters: PubMed 8381415.